The following is an entry in ClinVar:

NM_001724.5(BPGM):c.486G>A (p.Leu162=)

Gene: BPGM (bisphosphoglycerate mutase; plus strand). Cytogenetic location: 7q33.
Variant type: single nucleotide variant.
Coding change: c.486G>A on transcript NM_001724.5 (MANE Select); coding-DNA position 486, G replaced by A.
Protein change: p.Leu162=; no amino-acid change (leucine 162 retained).
Molecular consequence: synonymous variant.
Genome position (GRCh38, 1-based): chr7:134,661,993, G>A. VCF-style: chr7-134661993-G-A. GRCh37 (hg19) VCF-style: chr7-134346745-G-A.
Other names: c.486G>A, p.Leu162= (NM_001293085.2, NM_199186.3).
Identifiers: ClinVar variation 2759959 (VCV002759959.18), dbSNP rs145982146, ClinGen allele CA4494706.

ClinVar aggregate classification (germline): Likely benign. Review status: criteria provided, multiple submitters, no conflicts (2 of 4 stars). 3 submissions from 3 submitters: Likely benign (3). Last evaluated 2025-12-15.

Allele frequency attached by ClinVar (database versions not stated): 1000 Genomes Project 0.00040; TOPMed 0.00091; ExAC 0.00099; gnomAD 0.00105; ESP Exome Variant Server 0.00138; 1000 Genomes Project 30x 0.00031; gnomAD exomes 0.00179.
gnomAD v4.1: 2,740 of 1,614,154 alleles (0.17%); highest among the groups gnomAD compares: Non-Finnish European, 0.22%; 1 homozygote.

Submissions (3):

Labcorp Genetics (formerly Invitae), Labcorp
Classification: Likely benign. Last evaluated: 2025-12-15. Review status: criteria provided, single submitter. Criteria: Invitae Variant Classification Sherloc (09022015). Collection method: clinical testing. Allele origin: germline.

CeGaT Center for Human Genetics Tuebingen
Classification: Likely benign. Last evaluated: 2025-08-01. Review status: criteria provided, single submitter. Criteria: CeGaT Center For Human Genetics Tuebingen Variant Classification Criteria Version 2. Collection method: clinical testing. Allele origin: germline. Affected: yes. Observed: 2 variant alleles.
Comment: BPGM: BP4, BP7

Blueprint Genetics
Classification: Likely benign. Last evaluated: 2024-11-20. Review status: criteria provided, single submitter. Criteria: ACMG Guidelines, 2015. Collection method: clinical testing. Allele origin: germline.